The following is an entry in ClinVar:

NM_001077207.4(SEC31A):c.2868C>T (p.Gly956=)

Gene: SEC31A (SEC31 homolog A, COPII component; minus strand). Cytogenetic location: 4q21.22.
Variant type: single nucleotide variant.
Coding change: c.2868C>T on transcript NM_001077207.4 (MANE Select); coding-DNA position 2868, C replaced by T.
Protein change: p.Gly956=; no amino-acid change (glycine 956 retained).
Molecular consequence: synonymous variant. On other transcripts: intron variant (9).
Genome position (GRCh38, 1-based): chr4:82,842,240, G>A on the plus strand (C>T on the coding strand, the complement: SEC31A is on the minus strand). VCF-style: chr4-82842240-G-A. GRCh37 (hg19) VCF-style: chr4-83763393-G-A.
Other names: NC_000004.11:g.83763393G>A; c.2853C>T, p.Gly951= (NM_001400212.1, NM_001400214.1, NM_001191049.2); c.2751C>T, p.Gly917= (NM_001400213.1, NM_016211.5, NM_001400202.1 and 4 more transcripts); c.2589C>T, p.Gly863= (NM_001400215.1); c.2829C>T, p.Gly943= (NM_001400216.1, NM_001400204.1, NM_001400205.1 and 4 more transcripts); c.2394C>T, p.Gly798= (NM_001400224.1); c.2509+2146C>T (NM_001300744.3, NM_001400223.1); c.2626+2146C>T (NM_001077206.4, NM_001400219.1, NM_001400217.1 and 1 more transcripts); and 8 more.
Identifiers: ClinVar variation 2654848 (VCV002654848.25), dbSNP rs113126252, ClinGen allele CA2986174.

ClinVar aggregate classification (germline): Likely benign (1 of 4 stars; one submission).

Allele frequency attached by ClinVar (database versions not stated): TOPMed 0.00249; 1000 Genomes Project 0.00319; ESP Exome Variant Server 0.00323; 1000 Genomes Project 30x 0.00344; ExAC 0.00643; gnomAD 0.00656.
gnomAD v4.1: 8,457 of 1,613,682 alleles (0.52%); highest among the groups gnomAD compares: Middle Eastern, 0.54%; 87 homozygotes.

Submissions (2):

CeGaT Center for Human Genetics Tuebingen
Classification: Likely benign. Last evaluated: 2026-02-01. Review status: criteria provided, single submitter. Criteria: CeGaT Center For Human Genetics Tuebingen Variant Classification Criteria Version 2. Collection method: clinical testing. Allele origin: germline. Affected: yes. Observed: 4 variant alleles.
Comment: SEC31A: BP4, BS2

Dr. Peter K. Rogan Lab, Western University
No classification provided (evidence only). Condition: Malignant tumor of urinary bladder. Review status: no classification provided. Collection method: in vitro. Allele origin: not applicable. Functional consequence: retained intron. Not counted in ClinVar's aggregate classification.